The following is an entry in ClinVar:

ClinVar aggregate classification (germline): Likely pathogenic (1 of 4 stars; one submission).

Conditions:
Autosomal recessive BBS1-related disorders.

Submission:

Variantyx, Inc.
Classification: Likely pathogenic for Autosomal recessive BBS1-related disorders. Last evaluated: 2025-03-31. Review status: criteria provided, single submitter. Criteria: Variantyx Assertion Criteria 2022. Collection method: clinical testing. Allele origin: germline. Inheritance: Autosomal recessive inheritance. Affected: yes.
Comment: This is a canonical splicing variant in the BBS1 gene (OMIM: 209901). Pathogenic variants in this gene have been associated with autosomal recessive BBS1-related disorders. Loss of function is a known disease mechanism for BBS1 in these disorders (PMID:12118255). A different variant at the same splice site position was identified in the homozygous state in a patient with a clinical diagnosis of Bardet-Biedl syndrome (ClinVar Variation ID: 2753152) (PVS1_Strong). ItBased on the current evidence, this variant is classified as likely pathogenic for autosomal recessive BBS1-related disorders.

Literature cited by the submitters: PubMed 12118255.

NM_024649.5(BBS1):c.1181-1G>A

Genes: BBS1 (Bardet-Biedl syndrome 1; plus strand), ZDHHC24 (zDHHC palmitoyltransferase 24; minus strand). Cytogenetic location: 11q13.2.
Variant type: single nucleotide variant.
Coding change: c.1181-1G>A on transcript NM_024649.5 (MANE Select); the canonical splice acceptor site of the intron before coding-DNA position 1181, G replaced by A.
Molecular consequence: splice acceptor variant. On other transcripts: intron variant (1).
Genome position (GRCh38, 1-based): chr11:66,526,648, G>A. VCF-style: chr11-66526648-G-A. GRCh37 (hg19) VCF-style: chr11-66294119-G-A.
Other names: c.*21+288C>T (NM_001348571.2).
Identifiers: ClinVar variation 4850132 (VCV004850132.1).